The following is an entry in ClinVar:

NM_006904.7(PRKDC):c.1508C>G (p.Ser503Cys)

Gene: PRKDC (protein kinase, DNA-activated, catalytic subunit; minus strand). Cytogenetic location: 8q11.21.
Variant type: single nucleotide variant.
Coding change: c.1508C>G on transcript NM_006904.7 (MANE Select); coding-DNA position 1508, C replaced by G.
Protein change: p.Ser503Cys; replaces serine 503 with cysteine.
Molecular consequence: missense variant.
Genome position (GRCh38, 1-based): chr8:47,934,080, G>C on the plus strand (C>G on the coding strand, the complement: PRKDC is on the minus strand). VCF-style: chr8-47934080-G-C. GRCh37 (hg19) VCF-style: chr8-48846640-G-C.
Other names: c.1508C>G, p.Ser503Cys (NM_001081640.2); short protein forms S503C.
Identifiers: ClinVar variation 2626310 (VCV002626310.2), dbSNP rs2551879211, ClinGen allele CA371165498.

ClinVar aggregate classification (germline): Uncertain significance (1 of 4 stars; one submission).

Allele frequency attached by ClinVar (database versions not stated): gnomAD exomes below 0.00001.
gnomAD v4.1: 3 of 1,613,284 alleles (0.00019%); highest among the groups gnomAD compares: South Asian, 0.0011%; no homozygotes.

Submission:

Ambry Genetics
Classification: Uncertain significance. Last evaluated: 2023-06-17. Review status: criteria provided, single submitter. Criteria: Ambry Variant Classification Scheme 2023. Collection method: clinical testing. Allele origin: germline.
Comment: The p.S503C variant (also known as c.1508C>G), located in coding exon 15 of the PRKDC gene, results from a C to G substitution at nucleotide position 1508. The serine at codon 503 is replaced by cysteine, an amino acid with dissimilar properties. This amino acid position is conserved. In addition, this alteration is predicted to be tolerated by in silico analysis. Since supporting evidence is limited at this time, the clinical significance of this alteration remains unclear.